The following is an entry in ClinVar:

ClinVar aggregate classification (germline): Uncertain significance (1 of 4 stars; one submission).

Conditions:
Pyogenic arthritis-pyoderma gangrenosum-acne syndrome (PAPA). Also called: FAMILIAL RECURRENT ARTHRITIS; PAPA SYNDROME. Identifiers: Orphanet 69126, MedGen C1858361, MONDO:0011462, OMIM 604416.

Submission:

Labcorp Genetics (formerly Invitae), Labcorp
Classification: Uncertain significance for Pyogenic arthritis-pyoderma gangrenosum-acne syndrome. Last evaluated: 2023-03-17. Review status: criteria provided, single submitter. Criteria: Invitae Variant Classification Sherloc (09022015). Collection method: clinical testing. Allele origin: germline.
Comment: In summary, the available evidence is currently insufficient to determine the role of this variant in disease. Therefore, it has been classified as a Variant of Uncertain Significance. Advanced modeling of protein sequence and biophysical properties (such as structural, functional, and spatial information, amino acid conservation, physicochemical variation, residue mobility, and thermodynamic stability) performed at Invitae indicates that this missense variant is not expected to disrupt PSTPIP1 protein function. This variant has not been reported in the literature in individuals affected with PSTPIP1-related conditions. This variant is not present in population databases (gnomAD no frequency). This sequence change replaces threonine, which is neutral and polar, with proline, which is neutral and non-polar, at codon 20 of the PSTPIP1 protein (p.Thr20Pro).

NM_003978.5(PSTPIP1):c.58A>C (p.Thr20Pro)

Gene: PSTPIP1 (proline-serine-threonine phosphatase interacting protein 1; plus strand). Cytogenetic location: 15q24.3.
Variant type: single nucleotide variant.
Coding change: c.58A>C on transcript NM_003978.5 (MANE Select); coding-DNA position 58, A replaced by C.
Protein change: p.Thr20Pro; replaces threonine 20 with proline.
Molecular consequence: missense variant. On other transcripts: non-coding transcript variant (1).
Genome position (GRCh38, 1-based): chr15:77,018,169, A>C. VCF-style: chr15-77018169-A-C. GRCh37 (hg19) VCF-style: chr15-77310510-A-C.
Other names: c.58A>C, p.Thr20Pro (NM_001321135.2, NM_001411086.1); c.31A>C, p.Thr11Pro (NM_001321136.2); c.253A>C, p.Thr85Pro (NM_001321137.1); short protein forms T11P, T85P, T20P.
Identifiers: ClinVar variation 2836409 (VCV002836409.3), dbSNP rs2076088348, ClinGen allele CA393518173.